The following is an entry in ClinVar:

ClinVar aggregate classification (germline): Uncertain significance. Review status: criteria provided, multiple submitters, no conflicts (2 of 4 stars). 2 submissions from 2 submitters: Uncertain significance (2). Last evaluated 2024-04-15.

Conditions:
Hereditary cancer-predisposing syndrome. Also called: Tumor predisposition; Hereditary neoplastic syndrome; Hereditary Cancer Syndrome; Neoplastic Syndromes, Hereditary. Identifiers: Orphanet 140162, MedGen C0027672, MeSH D009386, MONDO:0015356.

Allele frequency attached by ClinVar (database versions not stated): gnomAD exomes below 0.00001.
gnomAD v4.1: 1 of 1,612,888 alleles (0.000062%); highest among the groups gnomAD compares: Non-Finnish European, 0.000085%; no homozygotes.

Submissions (2):

Ambry Genetics
Classification: Uncertain significance for Hereditary cancer-predisposing syndrome. Last evaluated: 2024-04-15. Review status: criteria provided, single submitter. Criteria: Ambry Variant Classification Scheme 2023. Collection method: clinical testing. Allele origin: germline.
Comment: The p.I785T variant (also known as c.2354T>C), located in coding exon 17 of the MSH3 gene, results from a T to C substitution at nucleotide position 2354. The isoleucine at codon 785 is replaced by threonine, an amino acid with similar properties. This amino acid position is not well conserved in available vertebrate species. In addition, the in silico prediction for this alteration is inconclusive. Based on the available evidence, the clinical significance of this variant remains unclear.

Labcorp Genetics (formerly Invitae), Labcorp
Classification: Uncertain significance. Last evaluated: 2022-06-22. Review status: criteria provided, single submitter. Criteria: Invitae Variant Classification Sherloc (09022015). Collection method: clinical testing. Allele origin: germline.
Comment: In summary, the available evidence is currently insufficient to determine the role of this variant in disease. Therefore, it has been classified as a Variant of Uncertain Significance. This variant is not present in population databases (gnomAD no frequency). This variant has not been reported in the literature in individuals affected with MSH3-related conditions. ClinVar contains an entry for this variant (Variation ID: 937436). Algorithms developed to predict the effect of missense changes on protein structure and function are either unavailable or do not agree on the potential impact of this missense change (SIFT: "Tolerated"; PolyPhen-2: "Possibly Damaging"; Align-GVGD: "Class C0"). This sequence change replaces isoleucine, which is neutral and non-polar, with threonine, which is neutral and polar, at codon 785 of the MSH3 protein (p.Ile785Thr).

NM_002439.5(MSH3):c.2354T>C (p.Ile785Thr)

Gene: MSH3 (mutS homolog 3; plus strand). Cytogenetic location: 5q14.1.
Variant type: single nucleotide variant.
Coding change: c.2354T>C on transcript NM_002439.5 (MANE Select); coding-DNA position 2354, T replaced by C.
Protein change: p.Ile785Thr; replaces isoleucine 785 with threonine.
Molecular consequence: missense variant.
Genome position (GRCh38, 1-based): chr5:80,778,755, T>C. VCF-style: chr5-80778755-T-C. GRCh37 (hg19) VCF-style: chr5-80074574-T-C.
Other names: short protein forms I785T.
Identifiers: ClinVar variation 937436 (VCV000937436.13), dbSNP rs1744351165, ClinGen allele CA360281771.